The following is an entry in ClinVar:

ClinVar aggregate classification (germline): Uncertain significance (1 of 4 stars; one submission).

Submission:

Labcorp Genetics (formerly Invitae), Labcorp
Classification: Uncertain significance. Last evaluated: 2024-09-10. Review status: criteria provided, single submitter. Criteria: Invitae Variant Classification Sherloc (09022015). Collection method: clinical testing. Allele origin: germline.
Comment: This sequence change replaces isoleucine, which is neutral and non-polar, with valine, which is neutral and non-polar, at codon 419 of the PACS2 protein (p.Ile419Val). This variant is not present in population databases (gnomAD no frequency). This variant has not been reported in the literature in individuals affected with PACS2-related conditions. Invitae Evidence Modeling of protein sequence and biophysical properties (such as structural, functional, and spatial information, amino acid conservation, physicochemical variation, residue mobility, and thermodynamic stability) indicates that this missense variant is expected to disrupt PACS2 protein function with a positive predictive value of 80%. In summary, the available evidence is currently insufficient to determine the role of this variant in disease. Therefore, it has been classified as a Variant of Uncertain Significance.

NM_001100913.3(PACS2):c.1255A>G (p.Ile419Val)

Gene: PACS2 (phosphofurin acidic cluster sorting protein 2; plus strand). Cytogenetic location: 14q32.33.
Variant type: single nucleotide variant.
Coding change: c.1255A>G on transcript NM_001100913.3 (MANE Select); coding-DNA position 1255, A replaced by G.
Protein change: p.Ile419Val; replaces isoleucine 419 with valine.
Molecular consequence: missense variant.
Genome position (GRCh38, 1-based): chr14:105,381,086, A>G. VCF-style: chr14-105381086-A-G. GRCh37 (hg19) VCF-style: chr14-105847423-A-G.
Other names: c.1030A>G, p.Ile344Val (NM_001243127.3); c.1255A>G, p.Ile419Val (NM_015197.4); short protein forms I344V, I419V.
Identifiers: ClinVar variation 3714481 (VCV003714481.2).